The following is an entry in ClinVar:

ClinVar aggregate classification (germline): Likely benign (1 of 4 stars; one submission).

Conditions:
AP1G1-related disorder. Also called: AP1G1-related condition.

gnomAD v4.1: 389 of 1,585,052 alleles (0.025%); highest among the groups gnomAD compares: African/African-American, 0.49%; 1 homozygote.

Submission:

PreventionGenetics, part of Exact Sciences
Classification: Likely benign for AP1G1-related condition. Last evaluated: 2024-10-28. Review status: criteria provided, single submitter. Criteria: ACMG Guidelines, 2015. Collection method: clinical testing. Allele origin: germline.
Comment: This variant is classified as likely benign based on ACMG/AMP sequence variant interpretation guidelines (Richards et al. 2015 PMID: 25741868, with internal and published modifications).

NM_001128.6(AP1G1):c.819+4A>G

Gene: AP1G1 (adaptor related protein complex 1 subunit gamma 1; minus strand). Cytogenetic location: 16q22.2.
Variant type: single nucleotide variant.
Coding change: c.819+4A>G on transcript NM_001128.6 (MANE Select); 4 bases into the intron after coding-DNA position 819, A replaced by G.
Molecular consequence: intron variant.
Genome position (GRCh38, 1-based): chr16:71,764,642, T>C on the plus strand (A>G on the coding strand, the complement: AP1G1 is on the minus strand). VCF-style: chr16-71764642-T-C. GRCh37 (hg19) VCF-style: chr16-71798545-T-C.
Other names: c.828+4A>G (NM_001030007.2).
Identifiers: ClinVar variation 4985916 (VCV004985916.1).
Genomic context (GRCh38, chr16:71,764,642, plus strand): 5'-CATAATCATTCTACTCCCAGCGAAACTAAAATAAATATATATTTAATATGTTTGGTCTAC[T>C]CACCTGTGCTAATATATCATTCATAGCTTCACTTGAATCATCATCATTTCGTCCTAAAAT-3'